The following is an entry in ClinVar:

ClinVar aggregate classification (germline): Benign/Likely benign. Review status: criteria provided, multiple submitters, no conflicts (2 of 4 stars). 3 submissions from 3 submitters: Benign (2); Likely benign (1). Last evaluated 2026-06-01.

Conditions:
Dystonic disorder. Also called: Dystonia. Identifiers: MedGen C0013421, MONDO:0003441, HP:0001332.

Allele frequency attached by ClinVar (database versions not stated): gnomAD exomes 0.00378 and 0.00308; ExAC 0.00381; TOPMed 0.00151; 1000 Genomes Project 30x 0.00250; ESP Exome Variant Server 0.00254; 1000 Genomes Project 0.00280; gnomAD 0.00358 and 0.00366.
gnomAD v4.1: 5,032 of 1,614,202 alleles (0.31%); highest among the groups gnomAD compares: Non-Finnish European, 0.27%; 25 homozygotes.

Submissions (3):

CeGaT Center for Human Genetics Tuebingen
Classification: Likely benign. Last evaluated: 2026-06-01. Review status: criteria provided, single submitter. Criteria: CeGaT Center For Human Genetics Tuebingen Variant Classification Criteria Version 2. Collection method: clinical testing. Allele origin: germline. Affected: yes. Observed: 4 variant alleles.
Comment: DRD2: BS1

Labcorp Genetics (formerly Invitae), Labcorp
Classification: Benign for Dystonic disorder. Last evaluated: 2025-12-06. Review status: criteria provided, single submitter. Criteria: Invitae Variant Classification Sherloc (09022015). Collection method: clinical testing. Allele origin: germline.

Breakthrough Genomics
Classification: Benign. Review status: criteria provided, single submitter. Criteria: ACMG Guidelines, 2015. Collection method: not provided. Allele origin: germline. Inheritance: Unknown mechanism. Affected: yes.

NM_000795.4(DRD2):c.979A>G (p.Lys327Glu)

Gene: DRD2 (dopamine receptor D2; minus strand). Cytogenetic location: 11q23.2.
Variant type: single nucleotide variant.
Coding change: c.979A>G on transcript NM_000795.4 (MANE Select); coding-DNA position 979, A replaced by G.
Protein change: p.Lys327Glu; replaces lysine 327 with glutamic acid.
Molecular consequence: missense variant.
Genome position (GRCh38, 1-based): chr11:113,412,715, T>C on the plus strand (A>G on the coding strand, the complement: DRD2 is on the minus strand). VCF-style: chr11-113412715-T-C. GRCh37 (hg19) VCF-style: chr11-113283437-T-C.
Other names: c.892A>G, p.Lys298Glu (NM_016574.4); short protein forms K327E, K298E.
Identifiers: ClinVar variation 238186 (VCV000238186.26), dbSNP rs71653614, ClinGen allele CA6281213.
Genomic context (GRCh38, chr11:113,412,715, plus strand): 5'-GCATGGTCTGGATCTCAAAGATCTTGGCAATCTTGGGGTGGTCTTTGGCATGCCCATTCT[T>C]CTCTGGTTTGGCGGGGCTGTCGGGAGTGCTGTGGAGACCATGGTGGGACGGGTCGGGGAG-3'
Protein context (NP_000786.1, residues 317-337): STPDSPAKPE[Lys327Glu]NGHAKDHPKI